The following is an entry in ClinVar:

ClinVar aggregate classification (germline): Uncertain significance. Review status: criteria provided, multiple submitters, no conflicts (2 of 4 stars). 4 submissions from 4 submitters: Uncertain significance (4). Last evaluated 2026-01-22.

Conditions:
Mitochondrial DNA depletion syndrome 9 (MTDPS9). Also called: SUCLG1-Related Mitochondrial DNA Depletion Syndrome, Encephalomyopathic Form with Methylmalonic Aciduria. Identifiers: Orphanet 17, MedGen C3151476, MONDO:0009504, OMIM 245400.

Allele frequency attached by ClinVar (database versions not stated): gnomAD exomes below 0.00001.
gnomAD v4.1: 6 of 1,590,294 alleles (0.00038%); highest among the groups gnomAD compares: Non-Finnish European, 0.00051%; no homozygotes.

Submissions (4):

GeneDx
Classification: Uncertain significance. Last evaluated: 2026-01-22. Review status: criteria provided, single submitter. Criteria: GeneDx Variant Classification Process June 2021. Collection method: clinical testing. Allele origin: germline. Affected: yes.
Comment: Not observed at significant frequency in large population cohorts (gnomAD); In silico analysis suggests that this missense variant does not alter protein structure/function; Has not been previously published as pathogenic or benign to our knowledge

3billion
Classification: Uncertain significance for Mitochondrial DNA depletion syndrome 9. Last evaluated: 2025-07-14. Review status: criteria provided, single submitter. Criteria: ACMG Guidelines, 2015. Collection method: clinical testing. Allele origin: germline. Affected: yes.
Comment: The variant is observed at an extremely low frequency in the gnomAD v4.1.0 dataset (total allele frequency: <0.001%). Predicted Consequence/Location: Missense variant The variant has been reported as of uncertain significance (ClinVar ID: VCV001308744). Different missense changes at the same codon have been reported as of uncertain significance (ClinVar ID: VCV002143797). Therefore, this variant is classified as VUS according to the recommendation of ACMG/AMP guideline.

Labcorp Genetics (formerly Invitae), Labcorp
Classification: Uncertain significance for Mitochondrial DNA depletion syndrome 9. Last evaluated: 2025-01-27. Review status: criteria provided, single submitter. Criteria: Invitae Variant Classification Sherloc (09022015). Collection method: clinical testing. Allele origin: germline.
Comment: This sequence change replaces tyrosine, which is neutral and polar, with phenylalanine, which is neutral and non-polar, at codon 51 of the SUCLG1 protein (p.Tyr51Phe). This variant is present in population databases (no rsID available, gnomAD 0.0009%). This variant has not been reported in the literature in individuals affected with SUCLG1-related conditions. ClinVar contains an entry for this variant (Variation ID: 1308744). Invitae Evidence Modeling of protein sequence and biophysical properties (such as structural, functional, and spatial information, amino acid conservation, physicochemical variation, residue mobility, and thermodynamic stability) has been performed for this missense variant. However, the output from this modeling did not meet the statistical confidence thresholds required to predict the impact of this variant on SUCLG1 protein function. In summary, the available evidence is currently insufficient to determine the role of this variant in disease. Therefore, it has been classified as a Variant of Uncertain Significance.

Blueprint Genetics
Classification: Uncertain significance. Last evaluated: 2024-09-09. Review status: criteria provided, single submitter. Criteria: ACMG Guidelines, 2015. Collection method: clinical testing. Allele origin: germline.

NM_003849.4(SUCLG1):c.152A>T (p.Tyr51Phe)

Gene: SUCLG1 (succinate-CoA ligase GDP/ADP-forming subunit alpha; minus strand). Cytogenetic location: 2p11.2.
Variant type: single nucleotide variant.
Coding change: c.152A>T on transcript NM_003849.4 (MANE Select); coding-DNA position 152, A replaced by T.
Protein change: p.Tyr51Phe; replaces tyrosine 51 with phenylalanine.
Molecular consequence: missense variant.
Genome position (GRCh38, 1-based): chr2:84,449,698, T>A on the plus strand (A>T on the coding strand, the complement: SUCLG1 is on the minus strand). VCF-style: chr2-84449698-T-A. GRCh37 (hg19) VCF-style: chr2-84676822-T-A.
Other names: short protein forms Y51F.
Identifiers: ClinVar variation 1308744 (VCV001308744.10), dbSNP rs892512758, ClinGen allele CA347517183.